The following is an entry in ClinVar:

NM_001854.4(COL11A1):c.2386G>T (p.Gly796Cys)

Gene: COL11A1 (collagen type XI alpha 1 chain; minus strand). Cytogenetic location: 1p21.1.
Variant type: single nucleotide variant.
Coding change: c.2386G>T on transcript NM_001854.4 (MANE Select); coding-DNA position 2386, G replaced by T.
Protein change: p.Gly796Cys; replaces glycine 796 with cysteine.
Molecular consequence: missense variant. On other transcripts: non-coding transcript variant (1).
Genome position (GRCh38, 1-based): chr1:102,989,526, C>A on the plus strand (G>T on the coding strand, the complement: COL11A1 is on the minus strand). VCF-style: chr1-102989526-C-A. GRCh37 (hg19) VCF-style: chr1-103455082-C-A.
Other names: c.2269G>T, p.Gly757Cys (NM_001190709.2); c.2422G>T, p.Gly808Cys (NM_080629.3); c.2038G>T, p.Gly680Cys (NM_080630.4); short protein forms G680C, G757C, G796C, G808C.
Identifiers: ClinVar variation 1204220 (VCV001204220.3), dbSNP rs2101750154, ClinGen allele CA341166987.

ClinVar aggregate classification (germline): Uncertain significance (1 of 4 stars; one submission).

Submission:

GeneDx
Classification: Uncertain significance. Last evaluated: 2019-06-06. Review status: criteria provided, single submitter. Criteria: GeneDx Variant Classification Process June 2021. Collection method: clinical testing. Allele origin: germline. Affected: yes.
Comment: Has not been previously published as pathogenic or benign to our knowledge; Not observed in large population cohorts (Lek et al., 2016); In silico analysis, which includes protein predictors and evolutionary conservation, supports a deleterious effect